The following is an entry in ClinVar:

NM_001379500.1(COL18A1):c.3430G>A (p.Val1144Met)

Genes: COL18A1 (collagen type XVIII alpha 1 chain; plus strand), SLC19A1 (solute carrier family 19 member 1; minus strand). Cytogenetic location: 21q22.3.
Variant type: single nucleotide variant.
Coding change: c.3430G>A on transcript NM_001379500.1 (MANE Select); coding-DNA position 3430, G replaced by A.
Protein change: p.Val1144Met; replaces valine 1144 with methionine.
Molecular consequence: missense variant.
Genome position (GRCh38, 1-based): chr21:45,509,536, G>A. VCF-style: chr21-45509536-G-A. GRCh37 (hg19) VCF-style: chr21-46929450-G-A.
Other names: c.3961G>A, p.Val1321Met (NM_030582.4); c.4666G>A, p.Val1556Met (NM_130444.3); short protein forms V1556M, V1321M, V1144M.
Identifiers: ClinVar variation 1384125 (VCV001384125.4), dbSNP rs747402422, ClinGen allele CA10067888.

ClinVar aggregate classification (germline): Conflicting classifications of pathogenicity. Review status: criteria provided, conflicting classifications (1 of 4 stars). 2 submissions from 2 submitters: Uncertain significance (1); Likely benign (1). Last evaluated 2022-08-23.

Allele frequency attached by ClinVar (database versions not stated): gnomAD exomes 0.00001 and 0.00002; TOPMed 0.00002; gnomAD 0.00003.
gnomAD v4.1: 26 of 1,538,600 alleles (0.0017%); highest among the groups gnomAD compares: East Asian, 0.012%; no homozygotes.

Submissions (2):

Labcorp Genetics (formerly Invitae), Labcorp
Classification: Uncertain significance. Last evaluated: 2022-08-23. Review status: criteria provided, single submitter. Criteria: Invitae Variant Classification Sherloc (09022015). Collection method: clinical testing. Allele origin: germline.
Comment: This sequence change replaces valine, which is neutral and non-polar, with methionine, which is neutral and non-polar, at codon 1141 of the COL18A1 protein (p.Val1141Met). The frequency data for this variant in the population databases is considered unreliable, as metrics indicate poor data quality at this position in the gnomAD database. This variant has not been reported in the literature in individuals affected with COL18A1-related conditions. ClinVar contains an entry for this variant (Variation ID: 1384125). Experimental studies and prediction algorithms are not available or were not evaluated, and the functional significance of this variant is currently unknown. In summary, the available evidence is currently insufficient to determine the role of this variant in disease. Therefore, it has been classified as a Variant of Uncertain Significance.

Blueprint Genetics
Classification: Likely benign. Last evaluated: 2020-11-06. Review status: criteria provided, single submitter. Criteria: ACMG Guidelines, 2015. Collection method: clinical testing. Allele origin: germline.